The following is an entry in ClinVar:

NM_000051.4(ATM):c.5185G>T (p.Val1729Phe)

Gene: ATM (ATM serine/threonine kinase; plus strand). Cytogenetic location: 11q22.3.
Variant type: single nucleotide variant.
Coding change: c.5185G>T on transcript NM_000051.4 (MANE Select); coding-DNA position 5185, G replaced by T.
Protein change: p.Val1729Phe; replaces valine 1729 with phenylalanine.
Molecular consequence: missense variant.
Genome position (GRCh38, 1-based): chr11:108,301,655, G>T. VCF-style: chr11-108301655-G-T. GRCh37 (hg19) VCF-style: chr11-108172382-G-T.
Other names: c.5185G>T, p.Val1729Phe (NM_001351834.2); short protein forms V1729F.
Identifiers: ClinVar variation 4170090 (VCV004170090.2).
Genomic context (GRCh38, chr11:108,301,655, plus strand): 5'-CATCAAGATTAATAACTGGTGTACTTGATAGGCATTTGAATTGTTTTTTTCAGTGTCAAA[G>T]TTCGATCAGCAGCTGTTACCTGTTTGAAAAACATTTTAGCCACAAAGACTGGACATAGTT-3'
Protein context (NP_000042.3, residues 1719-1739): NNTLVEDCVK[Val1729Phe]RSAAVTCLKN

ClinVar aggregate classification (germline): Uncertain significance. Review status: criteria provided, multiple submitters, no conflicts (2 of 4 stars). 2 submissions from 2 submitters: Uncertain significance (2). Last evaluated 2026-01-26.

Conditions:
Hereditary cancer-predisposing syndrome. Also called: Neoplastic Syndromes, Hereditary; Tumor predisposition; Hereditary Cancer Syndrome; Hereditary neoplastic syndrome. Identifiers: Orphanet 140162, MedGen C0027672, MeSH D009386, MONDO:0015356.
Ataxia-telangiectasia syndrome (AT). Also called: ATAXIA-TELANGIECTASIA, COMPLEMENTATION GROUP A; ATAXIA-TELANGIECTASIA, FRESNO VARIANT; Ataxia-telangiectasia; Ataxia telangiectasia (A-T); Ataxia-telangiectasia, complementation group D; AT, COMPLEMENTATION GROUP C. Identifiers: Orphanet 100, MedGen C0004135, MONDO:0008840, OMIM 208900.

Submissions (2):

Labcorp Genetics (formerly Invitae), Labcorp
Classification: Uncertain significance for Ataxia-telangiectasia syndrome. Last evaluated: 2026-01-26. Review status: criteria provided, single submitter. Criteria: Invitae Variant Classification Sherloc (09022015). Collection method: clinical testing. Allele origin: germline.
Comment: This sequence change replaces valine, which is neutral and non-polar, with phenylalanine, which is neutral and non-polar, at codon 1729 of the ATM protein (p.Val1729Phe). This variant is present in population databases (rs3092907, gnomAD 0.0009%). This variant has not been reported in the literature in individuals affected with ATM-related conditions. ClinVar contains an entry for this variant (Variation ID: 4170090). Invitae Evidence Modeling of protein sequence and biophysical properties (such as structural, functional, and spatial information, amino acid conservation, physicochemical variation, residue mobility, and thermodynamic stability) has been performed for this missense variant. However, the output from this modeling did not meet the statistical confidence thresholds required to predict the impact of this variant on ATM protein function. In summary, the available evidence is currently insufficient to determine the role of this variant in disease. Therefore, it has been classified as a Variant of Uncertain Significance.

Ambry Genetics
Classification: Uncertain significance for Hereditary cancer-predisposing syndrome. Last evaluated: 2025-08-18. Review status: criteria provided, single submitter. Criteria: Ambry Variant Classification Scheme 2023. Collection method: clinical testing. Allele origin: germline.
Comment: The p.V1729F variant (also known as c.5185G>T), located in coding exon 34 of the ATM gene, results from a G to T substitution at nucleotide position 5185. The valine at codon 1729 is replaced by phenylalanine, an amino acid with highly similar properties. This amino acid position is well conserved in available vertebrate species. In addition, the in silico prediction for this alteration is inconclusive. Based on the available evidence, the clinical significance of this variant remains unclear.